The following is an entry in ClinVar:

NM_000179.3(MSH6):c.635C>G (p.Thr212Arg)

Gene: MSH6 (mutS homolog 6; plus strand). Cytogenetic location: 2p16.3.
Variant type: single nucleotide variant.
Coding change: c.635C>G on transcript NM_000179.3 (MANE Select); coding-DNA position 635, C replaced by G.
Protein change: p.Thr212Arg; replaces threonine 212 with arginine.
Molecular consequence: missense variant. On other transcripts: 5 prime UTR variant (9), non-coding transcript variant (4), intron variant (1).
Genome position (GRCh38, 1-based): chr2:47,798,618, C>G. VCF-style: chr2-47798618-C-G. GRCh37 (hg19) VCF-style: chr2-48025757-C-G.
Other names: c.-272C>G (NM_001406815.1, NM_001406816.1, NM_001281493.2 and 6 more transcripts); c.635C>G, p.Thr212Arg (NM_001406817.1, NM_001406796.1, NM_001406798.1 and 4 more transcripts); c.338C>G, p.Thr113Arg (NM_001406818.1, NM_001406822.1, NM_001406820.1 and 10 more transcripts); c.245C>G, p.Thr82Arg (NM_001281492.2); c.731C>G, p.Thr244Arg (NM_001406795.1, NM_001406802.1); c.110C>G, p.Thr37Arg (NM_001406799.1, NM_001406806.1, NM_001406807.1); c.557C>G, p.Thr186Arg (NM_001406804.1); c.641C>G, p.Thr214Arg (NM_001406813.1); and 2 more; short protein forms T37R, T82R, T212R, T214R, T244R, T113R, T156R, T186R.
Identifiers: ClinVar variation 2567495 (VCV002567495.4), dbSNP rs876659637, ClinGen allele CA346739232.

ClinVar aggregate classification (germline): Uncertain significance. Review status: criteria provided, multiple submitters, no conflicts (2 of 4 stars). 3 submissions from 3 submitters: Uncertain significance (3). Last evaluated 2025-12-24.

Conditions:
Hereditary cancer-predisposing syndrome. Also called: Hereditary neoplastic syndrome; Hereditary Cancer Syndrome; Neoplastic Syndromes, Hereditary; Tumor predisposition. Identifiers: Orphanet 140162, MedGen C0027672, MeSH D009386, MONDO:0015356.
Hereditary nonpolyposis colorectal neoplasms. Identifiers: MedGen C0009405, MeSH D003123.
Lynch syndrome 5 (LYNCH5). Also called: Hereditary non-polyposis colorectal cancer, type 5; Colorectal cancer, hereditary nonpolyposis, type 5. Identifiers: Orphanet 144, MedGen C1833477, MONDO:0013710, OMIM 614350. Disease mechanism: loss of function.

Allele frequency attached by ClinVar (database versions not stated): TOPMed below 0.00001.

Submissions (3):

Labcorp Genetics (formerly Invitae), Labcorp
Classification: Uncertain significance for Hereditary nonpolyposis colorectal neoplasms. Last evaluated: 2025-12-24. Review status: criteria provided, single submitter. Criteria: Invitae Variant Classification Sherloc (09022015). Collection method: clinical testing. Allele origin: germline.
Comment: This sequence change replaces threonine, which is neutral and polar, with arginine, which is basic and polar, at codon 212 of the MSH6 protein (p.Thr212Arg). This variant is not present in population databases (gnomAD no frequency). This missense change has been observed in individual(s) with pancreatic ductal adenocarcinoma (PMID: 35171259). ClinVar contains an entry for this variant (Variation ID: 2567495). Invitae Evidence Modeling of protein sequence and biophysical properties (such as structural, functional, and spatial information, amino acid conservation, physicochemical variation, residue mobility, and thermodynamic stability) indicates that this missense variant is not expected to disrupt MSH6 protein function with a negative predictive value of 95%. In summary, the available evidence is currently insufficient to determine the role of this variant in disease. Therefore, it has been classified as a Variant of Uncertain Significance.

Ambry Genetics
Classification: Uncertain significance for Hereditary cancer-predisposing syndrome. Last evaluated: 2023-06-10. Review status: criteria provided, single submitter. Criteria: Ambry Variant Classification Scheme 2023. Collection method: clinical testing. Allele origin: germline.
Comment: The p.T212R variant (also known as c.635C>G), located in coding exon 4 of the MSH6 gene, results from a C to G substitution at nucleotide position 635. The threonine at codon 212 is replaced by arginine, an amino acid with similar properties. This amino acid position is conserved. In addition, this alteration is predicted to be tolerated by in silico analysis. Since supporting evidence is limited at this time, the clinical significance of this alteration remains unclear.

Department of Pathology and Laboratory Medicine, Sinai Health System
Classification: Uncertain significance for Lynch syndrome 5. Last evaluated: 2021-09-24. Review status: criteria provided, single submitter. Criteria: ACMG Guidelines, 2015. Collection method: clinical testing. Allele origin: germline. Affected: yes.

Literature cited by the submitters: PubMed 35171259 (cited by Labcorp Genetics (formerly Invitae), Labcorp).